The following is an entry in ClinVar:

ClinVar aggregate classification (germline): Conflicting classifications of pathogenicity. Review status: criteria provided, conflicting classifications (1 of 4 stars). 9 submissions from 9 submitters: Uncertain significance (7); Benign (1). 1 of the submissions does not count toward it. Last evaluated 2026-06-09.

Conditions:
Hereditary breast ovarian cancer syndrome. Also called: BRCA1- and BRCA2-Associated Hereditary Breast and Ovarian Cancer; Hereditary breast and ovarian cancer syndrome; Hereditary breast and ovarian cancer syndrome (HBOC); Breast and ovarian cancer; Hereditary breast and/or ovarian cancer syndrome; Hereditary breast and ovarian cancer. Identifiers: Orphanet 145, MedGen C0677776, MeSH D061325, MONDO:0003582. Disease mechanism: loss of function.
Breast-ovarian cancer, familial, susceptibility to, 1 (BROVCA1). Also called: BRCA1 Hereditary Breast and Ovarian Cancer; OVARIAN CANCER, SUSCEPTIBILITY TO. Identifiers: Orphanet 145, MedGen C2676676, MONDO:0011450, OMIM 604370. Disease mechanism: loss of function.
Hereditary cancer-predisposing syndrome. Also called: Hereditary Cancer Syndrome; Hereditary neoplastic syndrome; Neoplastic Syndromes, Hereditary; Tumor predisposition. Identifiers: Orphanet 140162, MedGen C0027672, MeSH D009386, MONDO:0015356.

Allele frequency attached by ClinVar (database versions not stated): gnomAD exomes below 0.00001.
gnomAD v4.1: 3 of 1,614,192 alleles (0.00019%); highest among the groups gnomAD compares: Non-Finnish European, 0.00025%; no homozygotes.

Submissions (9):

German Consortium for Hereditary Breast and Ovarian Cancer, University Hospital Cologne
Classification: Benign for Hereditary breast ovarian cancer syndrome. Last evaluated: 2026-06-09. Review status: criteria provided, single submitter. Criteria: ClinGen BRCA1 1.2.0. Collection method: curation. Allele origin: germline.
Comment: This classification follows the ClinGen ENIGMA BRCA1 v1.2.0 classification scheme; We chose these criteria: BP1 (strong benign): spliceAI: 0.0 + cold spot region, BS3 (strong benign): Spec. Table 9: Fernandes 2019 (PMID:30765603) - Likely not pathogenic

Labcorp Genetics (formerly Invitae), Labcorp
Classification: Uncertain significance for Hereditary breast ovarian cancer syndrome. Last evaluated: 2025-10-25. Review status: criteria provided, single submitter. Criteria: Invitae Variant Classification Sherloc (09022015). Collection method: clinical testing. Allele origin: germline.
Comment: This sequence change replaces phenylalanine, which is neutral and non-polar, with serine, which is neutral and polar, at codon 1571 of the BRCA1 protein (p.Phe1571Ser). This variant is present in population databases (rs273901740, gnomAD 0.0009%). This missense change has been observed in individual(s) with clinical features of BRCA1-related conditions (PMID: 10923033). ClinVar contains an entry for this variant (Variation ID: 55268). Invitae Evidence Modeling of protein sequence and biophysical properties (such as structural, functional, and spatial information, amino acid conservation, physicochemical variation, residue mobility, and thermodynamic stability) indicates that this missense variant is not expected to disrupt BRCA1 protein function with a negative predictive value of 95%. Experimental studies are conflicting or provide insufficient evidence to determine the effect of this variant on BRCA1 function (PMID: 28781887). In summary, the available evidence is currently insufficient to determine the role of this variant in disease. Therefore, it has been classified as a Variant of Uncertain Significance.

Color Diagnostics, LLC DBA Color Health
Classification: Uncertain significance for Hereditary cancer-predisposing syndrome. Last evaluated: 2025-04-21. Review status: criteria provided, single submitter. Criteria: ACMG Guidelines, 2015. Collection method: clinical testing. Allele origin: germline.
Comment: This missense variant replaces phenylalanine with serine at codon 1571 of the BRCA1 protein. Computational prediction is inconclusive regarding the impact of this variant on protein structure and function. A functional study has reported that this variant does not impact BRCA1 function in a transcription activation assay (PMID: 28781887, 30765603). This variant has been detected in a breast cancer case-control meta-analysis in 1/60466 cases and 0/53461 unaffected individuals (PMID: 33471991Leiden Open Variation Database DB-ID BRCA1_006211). This variant has been identified in 1/251268 chromosomes in the general population by the Genome Aggregation Database (gnomAD). The available evidence is insufficient to determine the role of this variant in disease conclusively. Therefore, this variant is classified as a Variant of Uncertain Significance.

Institute for Biomarker Research, Medical Diagnostic Laboratories, L.L.C.
Classification: Uncertain significance for Hereditary breast ovarian cancer syndrome. Last evaluated: 2024-11-20. Review status: criteria provided, single submitter. Criteria: ACMG Guidelines, 2015. Collection method: clinical testing. Allele origin: germline.
Comment: The missense variant NM_007294.4(BRCA1):c.4712T>C (p.Phe1571Ser) has not been reported previously as a pathogenic variant nor as a benign variant, to our knowledge. The p.Phe1571Ser variant is observed in 1/113,586 (0.0009%) alleles from individuals of gnomAD Non Finnish European background in gnomAD. The p.Phe1571Ser variant is novel (not in any individuals) in 1kG. There is a large physicochemical difference between phenylalanine and serine, which is likely to impact secondary protein structure as these residues differ in polarity, charge, size and/or other properties. The gene BRCA1 has a low rate of benign missense variation as indicated by a high missense variants Z-Score of 2.32. The gene BRCA1 contains 248 pathogenic missense variants, indicating that missense variants are a common mechanism of disease in this gene. For these reasons, this variant has been classified as Uncertain Significance.

Ambry Genetics
Classification: Uncertain significance for Hereditary cancer-predisposing syndrome. Last evaluated: 2024-01-27. Review status: criteria provided, single submitter. Criteria: Ambry Variant Classification Scheme 2023. Collection method: clinical testing. Allele origin: germline.
Comment: The p.F1571S variant (also known as c.4712T>C), located in coding exon 14 of the BRCA1 gene, results from a T to C substitution at nucleotide position 4712. The phenylalanine at codon 1571 is replaced by serine, an amino acid with highly dissimilar properties. This variant had 50.88% of wildtype activity in a transcription activation assay (Woods NT et al. NPJ Genom Med, 2016 Mar;1). This amino acid position is well conserved in available vertebrate species. In addition, the in silico prediction for this alteration is inconclusive. Since supporting evidence is limited at this time, the clinical significance of this alteration remains unclear.

Quest Diagnostics Nichols Institute San Juan Capistrano
Classification: Uncertain significance. Last evaluated: 2022-12-21. Review status: criteria provided, single submitter. Criteria: Quest Diagnostics criteria. Collection method: clinical testing. Allele origin: unknown.
Comment: The frequency of this variant in the general population, 0.000004 (1/251268 chromosomes), is uninformative in assessment of its pathogenicity. In the published literature, the variant has been reported in a large breast cancer association study in one individual with breast cancer (PMID: 33471991 (2021)). Additionally, a functional study yielded inconclusive results regarding the effect of this variant on BRCA1 protein function (PMID: 28781887 (2016)). Analysis of this variant using bioinformatics tools for the prediction of the effect of amino acid changes on protein structure and function yielded predictions that this variant is benign. Based on the available information, we are unable to determine the clinical significance of this variant.

GeneDx
Classification: Uncertain significance. Last evaluated: 2022-06-01. Review status: criteria provided, single submitter. Criteria: GeneDx Variant Classification Process June 2021. Collection method: clinical testing. Allele origin: germline. Affected: yes.
Comment: Published functional studies demonstrate transcriptional activity comparable to wild type (Woods 2016); Not observed at significant frequency in large population cohorts (gnomAD); In silico analysis supports that this missense variant does not alter protein structure/function; Also known as 4831T>C; This variant is associated with the following publications: (PMID: 10220405, 11301010, 9974970, 10923033, 28781887)

Institute for Clinical Genetics, University Hospital TU Dresden, University Hospital TU Dresden
Classification: Uncertain significance. Last evaluated: 2021-11-03. Review status: criteria provided, single submitter. Criteria: ACMG Guidelines, 2015. Collection method: clinical testing. Allele origin: germline.

Breast Cancer Information Core (BIC) (BRCA1)
Classification: Uncertain significance for Breast-ovarian cancer, familial 1. Last evaluated: 2010-12-17. Review status: no assertion criteria provided. Collection method: clinical testing. Allele origin: germline. Affected: yes. Observed: 1 variant allele. Not counted in ClinVar's aggregate classification.

Literature cited by the submitters: PubMed 10923033 (cited by Labcorp Genetics (formerly Invitae), Labcorp); PubMed 28781887 (cited by 4 submitters); PubMed 30765603 (cited by Color Diagnostics, LLC DBA Color Health); PubMed 33471991 (cited by Color Diagnostics, LLC DBA Color Health and Quest Diagnostics Nichols Institute San Juan Capistrano).

NM_007294.4(BRCA1):c.4712T>C (p.Phe1571Ser)

Gene: BRCA1 (BRCA1 DNA repair associated; minus strand). Cytogenetic location: 17q21.31.
Variant type: single nucleotide variant.
Coding change: c.4712T>C on transcript NM_007294.4 (MANE Select); coding-DNA position 4712, T replaced by C.
Protein change: p.Phe1571Ser; replaces phenylalanine 1571 with serine.
Molecular consequence: missense variant. On other transcripts: non-coding transcript variant (1).
Genome position (GRCh38, 1-based): chr17:43,071,202, A>G on the plus strand (T>C on the coding strand, the complement: BRCA1 is on the minus strand). VCF-style: chr17-43071202-A-G. GRCh37 (hg19) VCF-style: chr17-41223219-A-G.
Other names: c.1400T>C, p.Phe467Ser (NM_001407986.1, NM_001407990.1, NM_001407991.1 and 13 more transcripts); c.1397T>C, p.Phe466Ser (NM_001408392.1, NM_001408396.1, NM_001408397.1 and 8 more transcripts); c.4580T>C, p.Phe1527Ser (NM_001407691.1, NM_001407690.1); c.4571T>C, p.Phe1524Ser (NM_001407692.1, NM_001407694.1, NM_001407695.1 and 13 more transcripts); c.4565T>C, p.Phe1522Ser (NM_001407841.1, NM_001407842.1, NM_001407843.1 and 12 more transcripts); c.4709T>C, p.Phe1570Ser (NM_001407612.1, NM_001407613.1, NM_001407614.1 and 17 more transcripts); c.4706T>C, p.Phe1569Ser (NM_001407631.1, NM_001407632.1, NM_001407633.1 and 14 more transcripts); c.4634T>C, p.Phe1545Ser (NM_001407653.1, NM_001407654.1, NM_001407655.1); and 70 more; short protein forms F1571S, F467S, F1524S, F1592S, F1275S, F1458S, F1460S, F1500S.
Identifiers: ClinVar variation 55268 (VCV000055268.25), dbSNP rs273901740, ClinGen allele CA002991.